The following is an entry in ClinVar:

ClinVar aggregate classification (germline): Uncertain significance (1 of 4 stars; one submission).

Submission:

GeneDx
Classification: Uncertain significance. Last evaluated: 2022-01-21. Review status: criteria provided, single submitter. Criteria: GeneDx Variant Classification Process June 2021. Collection method: clinical testing. Allele origin: germline. Affected: yes.
Comment: Not observed at significant frequency in large population cohorts (gnomAD); Missense variants in this gene are often considered pathogenic (HGMD); In silico analysis supports that this missense variant does not alter protein structure/function; Has not been previously published as pathogenic or benign to our knowledge; This variant is associated with the following publications: (PMID: 24077912)

NM_006306.4(SMC1A):c.3110A>G (p.Lys1037Arg)

Gene: SMC1A (structural maintenance of chromosomes 1A; minus strand). Cytogenetic location: Xp11.22.
Variant type: single nucleotide variant.
Coding change: c.3110A>G on transcript NM_006306.4 (MANE Select); coding-DNA position 3110, A replaced by G.
Protein change: p.Lys1037Arg; replaces lysine 1037 with arginine.
Molecular consequence: missense variant.
Genome position (GRCh38, 1-based): chrX:53,383,117, T>C on the plus strand (A>G on the coding strand, the complement: SMC1A is on the minus strand). VCF-style: chrX-53383117-T-C. GRCh37 (hg19) VCF-style: chrX-53410038-T-C.
Other names: c.3044A>G, p.Lys1015Arg (NM_001281463.1); short protein forms K1015R, K1037R.
Identifiers: ClinVar variation 1698216 (VCV001698216.2), dbSNP rs2146583109, ClinGen allele CA413245309.